The following is an entry in ClinVar:

NM_001852.4(COL9A2):c.-32C>T

Gene: COL9A2 (collagen type IX alpha 2 chain; minus strand). Cytogenetic location: 1p34.2.
Variant type: single nucleotide variant.
Coding change: c.-32C>T on transcript NM_001852.4 (MANE Select); 32 bases upstream of the start codon, C replaced by T.
Molecular consequence: 5 prime UTR variant.
Genome position (GRCh38, 1-based): chr1:40,317,229, G>A on the plus strand (C>T on the coding strand, the complement: COL9A2 is on the minus strand). VCF-style: chr1-40317229-G-A. GRCh37 (hg19) VCF-style: chr1-40782901-G-A.
Identifiers: ClinVar variation 391192 (VCV000391192.1), dbSNP rs372337925, ClinGen allele CA792150.
Genomic context (GRCh38, chr1:40,317,229, plus strand): 5'-CTGCGGGGGGAGGCCGTAGCGGCGGCCATGGCTGGCGGCGAGACCAAGGGGGACGGGTGC[G>A]TGTCCGCGCACGCACCGACGGCAGAGTCTCCCGGCGCTCCTCCAGCGCTGGCTGTTCGCG-3'

ClinVar aggregate classification (germline): Likely benign (1 of 4 stars; one submission).

Allele frequency attached by ClinVar (database versions not stated): ExAC below 0.00001; gnomAD exomes 0.00002; ESP Exome Variant Server 0.00016; gnomAD 0.00021 and 0.00023; TOPMed 0.00022.

Submission:

GeneDx
Classification: Likely benign. Last evaluated: 2016-12-06. Review status: criteria provided, single submitter. Criteria: GeneDx Variant Classification (06012015). Collection method: clinical testing. Allele origin: germline. Affected: yes.
Comment: This variant is considered likely benign or benign based on one or more of the following criteria: it is a conservative change, it occurs at a poorly conserved position in the protein, it is predicted to be benign by multiple in silico algorithms, and/or has population frequency not consistent with disease.